The following is an entry in ClinVar:

ClinVar aggregate classification (germline): Benign (1 of 4 stars; one submission).

Allele frequency attached by ClinVar (database versions not stated): 1000 Genomes Project 30x 0.62664; 1000 Genomes Project 0.62700; gnomAD 0.63928 and 0.64080; TOPMed 0.64024.

Submission:

GeneDx
Classification: Benign. Last evaluated: 2018-06-14. Review status: criteria provided, single submitter. Criteria: GeneDx Variant Classification (06012015). Collection method: clinical testing. Allele origin: germline. Affected: yes.
Comment: This variant is considered likely benign or benign based on one or more of the following criteria: it is a conservative change, it occurs at a poorly conserved position in the protein, it is predicted to be benign by multiple in silico algorithms, and/or has population frequency not consistent with disease.

NM_000288.4(PEX7):c.527-124G>A

Gene: PEX7 (peroxisomal biogenesis factor 7; plus strand). Cytogenetic location: 6q23.3.
Variant type: single nucleotide variant.
Coding change: c.527-124G>A on transcript NM_000288.4 (MANE Select); 124 bases into the intron before coding-DNA position 527, G replaced by A.
Molecular consequence: intron variant.
Genome position (GRCh38, 1-based): chr6:136,866,503, G>A. VCF-style: chr6-136866503-G-A. GRCh37 (hg19) VCF-style: chr6-137187641-G-A.
Identifiers: ClinVar variation 667825 (VCV000667825.1), dbSNP rs1884940, ClinGen allele CA12378155.
Genomic context (GRCh38, chr6:136,866,503, plus strand): 5'-TTTTTGTATTCCTTCATTTGAATAGTTCCTATACATTATTATGGTTTAAAAAATAAGTCT[G>A]AAGGTGGCAATATCCTAACACTGAAAGCAGTGTATTTTTACTTGACTTATTATTGTGAAC-3'